The following is an entry in ClinVar:

ClinVar aggregate classification (germline): Likely pathogenic (1 of 4 stars; one submission).

Submission:

GeneDx
Classification: Likely pathogenic. Last evaluated: 2018-03-27. Review status: criteria provided, single submitter. Criteria: GeneDx Variant Classification (06012015). Collection method: clinical testing. Allele origin: germline. Affected: yes.
Comment: The c.15267_15275delGAATGTTTAinsC variant causes a frameshift starting with codon Leucine 5089, changes this amino acid to a Phenylalanine residue and creates a premature Stop codon at position 86 of the new reading frame, denoted p.Leu5089PhefsX86. This variant is predicted to cause loss of normal protein function through protein truncation. The variant is not observed in large population cohorts (Lek et al., 2016). In summary, we consider this variant to be likely pathogenic.

NM_206933.4(USH2A):c.15267_15275delinsC (p.Leu5089fs)

Gene: USH2A (usherin; minus strand). Cytogenetic location: 1q41.
Variant type: Indel.
Coding change: c.15267_15275delinsC on transcript NM_206933.4 (MANE Select); coding-DNA positions 15267 to 15275, GAATGTTTA replaced by C.
Protein change: p.Leu5089fs; shifts the reading frame from leucine 5089.
Molecular consequence: frameshift variant.
Genome position (GRCh38, 1-based): chr1:215,634,481-215,634,489, TAAACATTC replaced by G on the plus strand (GAATGTTTA replaced by C on the coding strand, the reverse complement: USH2A is on the minus strand). VCF-style: chr1-215634481-TAAACATTC-G. GRCh37 (hg19) VCF-style: chr1-215807823-TAAACATTC-G.
Other names: short protein forms L5089fs.
Identifiers: ClinVar variation 524043 (VCV000524043.2), dbSNP rs1553248812, ClinGen allele CA658795591.